The following is an entry in ClinVar:

ClinVar aggregate classification (germline): Uncertain significance (1 of 4 stars; one submission).

Conditions:
Autosomal recessive limb-girdle muscular dystrophy type R18 (LGMDR18). Also called: MUSCULAR DYSTROPHY, LIMB-GIRDLE, AUTOSOMAL RECESSIVE 18; Autosomal recessive limb-girdle muscular dystrophy type 2S; Limb-girdle muscular dystrophy, type 2S. Identifiers: Orphanet 369840, MedGen C4517996, MONDO:0014144, OMIM 615356.

gnomAD v4.1: 1 of 1,543,826 alleles (0.000065%); highest among the groups gnomAD compares: Admixed American, 0.0019%; no homozygotes.

Submission:

Labcorp Genetics (formerly Invitae), Labcorp
Classification: Uncertain significance for Autosomal recessive limb-girdle muscular dystrophy type R18. Last evaluated: 2022-10-13. Review status: criteria provided, single submitter. Criteria: Invitae Variant Classification Sherloc (09022015). Collection method: clinical testing. Allele origin: germline.
Comment: In summary, the available evidence is currently insufficient to determine the role of this variant in disease. Therefore, it has been classified as a Variant of Uncertain Significance. Variants that disrupt the consensus splice site are a relatively common cause of aberrant splicing (PMID: 17576681, 9536098). Algorithms developed to predict the effect of sequence changes on RNA splicing suggest that this variant may disrupt the consensus splice site. ClinVar contains an entry for this variant (Variation ID: 861689). This variant has been observed in individual(s) with clinical features of TRAPPC11-related conditions (Invitae). This variant is not present in population databases (gnomAD no frequency). This sequence change falls in intron 6 of the TRAPPC11 gene. It does not directly change the encoded amino acid sequence of the TRAPPC11 protein. It affects a nucleotide within the consensus splice site.

Literature cited by the submitters: PubMed 17576681; PubMed 9536098.

NM_021942.6(TRAPPC11):c.660+5G>T

Gene: TRAPPC11 (trafficking protein particle complex subunit 11; plus strand). Cytogenetic location: 4q35.1.
Variant type: single nucleotide variant.
Coding change: c.660+5G>T on transcript NM_021942.6 (MANE Select); 5 bases into the intron after coding-DNA position 660, G replaced by T.
Molecular consequence: intron variant.
Genome position (GRCh38, 1-based): chr4:183,674,817, G>T. VCF-style: chr4-183674817-G-T. GRCh37 (hg19) VCF-style: chr4-184595970-G-T.
Other names: c.660+5G>T (NM_199053.3).
Identifiers: ClinVar variation 861689 (VCV000861689.10), dbSNP rs770891745, ClinGen allele CA916082670.